The following is an entry in ClinVar:

ClinVar aggregate classification (germline): Uncertain significance (1 of 4 stars; one submission).

Conditions:
Congenital contractural arachnodactyly (CCA). Also called: BEALS SYNDROME; Beals-Hecht syndrome; Arthrogryposis, distal, type 9. Identifiers: Orphanet 115, MedGen C0220668, MONDO:0007363, OMIM 121050.

Allele frequency attached by ClinVar (database versions not stated): gnomAD 0.00001; TOPMed 0.00001.
gnomAD v4.1: 1 of 1,614,066 alleles (0.000062%); highest among the groups gnomAD compares: Non-Finnish European, 0.000085%; no homozygotes.

Submission:

Labcorp Genetics (formerly Invitae), Labcorp
Classification: Uncertain significance for Congenital contractural arachnodactyly. Last evaluated: 2022-10-26. Review status: criteria provided, single submitter. Criteria: Invitae Variant Classification Sherloc (09022015). Collection method: clinical testing. Allele origin: germline.
Comment: In summary, the available evidence is currently insufficient to determine the role of this variant in disease. Therefore, it has been classified as a Variant of Uncertain Significance. Advanced modeling of protein sequence and biophysical properties (such as structural, functional, and spatial information, amino acid conservation, physicochemical variation, residue mobility, and thermodynamic stability) performed at Invitae indicates that this missense variant is not expected to disrupt FBN2 protein function. This variant has not been reported in the literature in individuals affected with FBN2-related conditions. This variant is not present in population databases (gnomAD no frequency). This sequence change replaces glutamic acid, which is acidic and polar, with glycine, which is neutral and non-polar, at codon 2754 of the FBN2 protein (p.Glu2754Gly).

NM_001999.4(FBN2):c.8261A>G (p.Glu2754Gly)

Gene: FBN2 (fibrillin 2; minus strand). Cytogenetic location: 5q23.3.
Variant type: single nucleotide variant.
Coding change: c.8261A>G on transcript NM_001999.4 (MANE Select); coding-DNA position 8261, A replaced by G.
Protein change: p.Glu2754Gly; replaces glutamic acid 2754 with glycine.
Molecular consequence: missense variant.
Genome position (GRCh38, 1-based): chr5:128,261,839, T>C on the plus strand (A>G on the coding strand, the complement: FBN2 is on the minus strand). VCF-style: chr5-128261839-T-C. GRCh37 (hg19) VCF-style: chr5-127597531-T-C.
Other names: short protein forms E2754G.
Identifiers: ClinVar variation 2069480 (VCV002069480.4), dbSNP rs1764983851, ClinGen allele CA360747710.